The following is an entry in ClinVar:

ClinVar aggregate classification (germline): Pathogenic (1 of 4 stars; one submission).

Submission:

GeneDx
Classification: Pathogenic. Last evaluated: 2016-06-21. Review status: criteria provided, single submitter. Criteria: GeneDx Variant Classification (06012015). Collection method: clinical testing. Allele origin: germline. Affected: yes.
Comment: The c.368delA variant in the DYRK1A gene has not been reported previously as a pathogenic variant nor as a benign variant, to our knowledge. The c.368delA variant causes a frameshift starting with codon Glutamine 123, changes this amino acid to an Arginine residue, and creates a premature Stop codon at position 27 of the new reading frame, denoted p.Gln123ArgfsX27. This variant is predicted to cause loss of normal protein function either through protein truncation or nonsense-mediated mRNA decay. The c.368delA variant was not observed in approximately 6.500 individuals of European and African American ancestry in the NHLBI Exome Sequencing Project, indicating it is not a common benign variant in these populations. Based on the currently available information, we interpret c.368delA as a pathogenic variant.

NM_001347721.2(DYRK1A):c.341del (p.Gln114fs)

Gene: DYRK1A (dual specificity tyrosine phosphorylation regulated kinase 1A; plus strand). Cytogenetic location: 21q22.13.
Variant type: Deletion.
Coding change: c.341del on transcript NM_001347721.2 (MANE Select); coding-DNA position 341, one base deleted (A; older notation c.341delA).
Protein change: p.Gln114fs; shifts the reading frame from glutamine 114.
Molecular consequence: frameshift variant.
Genome position (GRCh38, 1-based): chr21:37,480,678, A deleted. VCF-style (leftmost placement, unchanged base first): chr21-37480677-CA-C. GRCh37 (hg19) VCF-style: chr21-38852979-CA-C.
Other names: c.341del, p.Gln114fs (NM_001347722.2, NM_130436.2); c.254del, p.Gln85fs (NM_001347723.2); c.368del, p.Gln123fs (NM_001396.5, NM_101395.2, NM_130438.2); short protein forms Q123fs, Q114fs, Q85fs.
Identifiers: ClinVar variation 280666 (VCV000280666.2), dbSNP rs886041833, ClinGen allele CA10603681.